The following is an entry in ClinVar:

NM_021614.4(KCNN2):c.842C>T (p.Ser281Phe)

Gene: KCNN2 (potassium calcium-activated channel subfamily N member 2; plus strand). Cytogenetic location: 5q22.3.
Variant type: single nucleotide variant.
Coding change: c.842C>T on transcript NM_021614.4 (MANE Select); coding-DNA position 842, C replaced by T.
Protein change: p.Ser281Phe; replaces serine 281 with phenylalanine.
Molecular consequence: missense variant. On other transcripts: non-coding transcript variant (1).
Genome position (GRCh38, 1-based): chr5:114,362,981, C>T. VCF-style: chr5-114362981-C-T. GRCh37 (hg19) VCF-style: chr5-113698678-C-T.
Other names: c.1040C>T, p.Ser347Phe (NM_001372233.1); c.206C>T (NM_021614.2); short protein forms S281F, S347F.
Identifiers: ClinVar variation 2673021 (VCV002673021.24), dbSNP rs967646810, ClinGen allele CA125659964.

ClinVar aggregate classification (germline): Uncertain significance. Review status: criteria provided, multiple submitters, no conflicts (2 of 4 stars). 2 submissions from 2 submitters: Uncertain significance (2). Last evaluated 2024-03-31.

Conditions:
Inborn genetic diseases. Identifiers: MedGen C0950123, MeSH D030342.

Allele frequency attached by ClinVar (database versions not stated): gnomAD 0.00003.
gnomAD v4.1: 73 of 1,590,728 alleles (0.0046%); highest among the groups gnomAD compares: Non-Finnish European, 0.0054%; no homozygotes.

Submissions (2):

Ambry Genetics
Classification: Uncertain significance for Inborn genetic diseases. Last evaluated: 2024-03-31. Review status: criteria provided, single submitter. Criteria: Ambry Variant Classification Scheme 2023. Collection method: clinical testing. Allele origin: germline.

CeGaT Center for Human Genetics Tuebingen
Classification: Uncertain significance. Last evaluated: 2024-01-01. Review status: criteria provided, single submitter. Criteria: CeGaT Center For Human Genetics Tuebingen Variant Classification Criteria Version 2. Collection method: clinical testing. Allele origin: germline. Affected: yes. Observed: 2 variant alleles.
Comment: KCNN2: PP3